The following is an entry in ClinVar:

NM_018136.5(ASPM):c.3282_3285del (p.Asn1095fs)

Gene: ASPM (assembly factor for spindle microtubules; minus strand). Cytogenetic location: 1q31.3.
Variant type: Deletion.
Coding change: c.3282_3285del on transcript NM_018136.5 (MANE Select); coding-DNA positions 3282 to 3285, 4 bases deleted (TAAT; older notation c.3282_3285delTAAT).
Protein change: p.Asn1095fs; shifts the reading frame from asparagine 1095.
Molecular consequence: frameshift variant.
Genome position (GRCh38, 1-based): chr1:197,124,215-197,124,218, ATTA deleted on the plus strand (TAAT on the coding strand, the reverse complement: ASPM is on the minus strand); deleting any 4 consecutive bases within chr1:197,124,215-197,124,220 gives the same sequence; the c. name uses the placement nearest the transcript's 3' end. VCF-style (leftmost placement, unchanged base first): chr1-197124214-TATTA-T. GRCh37 (hg19) VCF-style: chr1-197093344-TATTA-T.
Other names: c.3282_3285del, p.Asn1095fs (NM_001206846.2); short protein forms N1095fs.
Identifiers: ClinVar variation 1029518 (VCV001029518.6), dbSNP rs1240081512, ClinGen allele CA528535083.

ClinVar aggregate classification (germline): Likely pathogenic. Review status: criteria provided, multiple submitters, no conflicts (2 of 4 stars). 3 submissions from 3 submitters: Likely pathogenic (3). Last evaluated 2023-04-11.

Conditions:
Microcephaly 5, primary, autosomal recessive (MCPH5). Also called: ASPM Primary Microcephaly. Identifiers: Orphanet 2512, MedGen C1837501, MONDO:0012106, OMIM 608716.

Submissions (3):

Genome-Nilou Lab
Classification: Likely pathogenic for Microcephaly 5, primary, autosomal recessive. Last evaluated: 2023-04-11. Review status: criteria provided, single submitter. Criteria: ACMG Guidelines, 2015. Collection method: clinical testing. Allele origin: germline. Affected: no.

Revvity Omics, Revvity
Classification: Likely pathogenic for Microcephaly 5, primary, autosomal recessive. Last evaluated: 2021-11-11. Review status: criteria provided, single submitter. Criteria: ACMG Guidelines, 2015. Collection method: clinical testing. Allele origin: germline.

Baylor Genetics
Classification: Likely pathogenic for Microcephaly 5, primary, autosomal recessive. Last evaluated: 2019-02-06. Review status: criteria provided, single submitter. Criteria: ACMG Guidelines, 2015. Collection method: clinical testing. Allele origin: paternal. Affected: yes.
Comment: This variant was determined to be likely pathogenic according to ACMG Guidelines, 2015 [PMID:25741868].